The following is an entry in ClinVar:

NM_020928.2(ZSWIM6):c.3119G>A (p.Arg1040His)

Gene: ZSWIM6 (zinc finger SWIM-type containing 6; plus strand). Cytogenetic location: 5q12.1.
Variant type: single nucleotide variant.
Coding change: c.3119G>A on transcript NM_020928.2 (MANE Select); coding-DNA position 3119, G replaced by A.
Protein change: p.Arg1040His; replaces arginine 1040 with histidine.
Molecular consequence: missense variant.
Genome position (GRCh38, 1-based): chr5:61,543,788, G>A. VCF-style: chr5-61543788-G-A. GRCh37 (hg19) VCF-style: chr5-60839615-G-A.
Other names: c.3119G>A (NM_020928.1); short protein forms R1040H.
Identifiers: ClinVar variation 1598730 (VCV001598730.29), dbSNP rs192222164, ClinGen allele CA3278509.

ClinVar aggregate classification (germline): Benign/Likely benign. Review status: criteria provided, multiple submitters, no conflicts (2 of 4 stars). 5 submissions from 5 submitters: Benign (2); Likely benign (2). 1 of the submissions does not count toward it. Last evaluated 2026-08-01.

Conditions:
ZSWIM6-related disorder. Also called: ZSWIM6-related condition.
Inborn genetic diseases. Identifiers: MedGen C0950123, MeSH D030342.

Allele frequency attached by ClinVar (database versions not stated): ExAC 0.00027; gnomAD exomes 0.00038 and 0.00056; gnomAD 0.00052 and 0.00054; 1000 Genomes Project 0.00060; TOPMed 0.00064; 1000 Genomes Project 30x 0.00078.
gnomAD v4.1: 876 of 1,551,828 alleles (0.056%); highest among the groups gnomAD compares: Middle Eastern, 0.17%; no homozygotes.

Submissions (5):

CeGaT Center for Human Genetics Tuebingen
Classification: Likely benign. Last evaluated: 2026-08-01. Review status: criteria provided, single submitter. Criteria: CeGaT Center For Human Genetics Tuebingen Variant Classification Criteria Version 2. Collection method: clinical testing. Allele origin: germline. Affected: yes. Observed: 6 variant alleles.
Comment: ZSWIM6: BS1

Labcorp Genetics (formerly Invitae), Labcorp
Classification: Benign. Last evaluated: 2026-01-05. Review status: criteria provided, single submitter. Criteria: Invitae Variant Classification Sherloc (09022015). Collection method: clinical testing. Allele origin: germline.

Ambry Genetics
Classification: Likely benign for Inborn genetic diseases. Last evaluated: 2025-02-27. Review status: criteria provided, single submitter. Criteria: Ambry Variant Classification Scheme 2023. Collection method: clinical testing. Allele origin: germline.

Breakthrough Genomics
Classification: Benign. Review status: criteria provided, single submitter. Criteria: ACMG Guidelines, 2015. Collection method: not provided. Allele origin: germline. Inheritance: Autosomal dominant inheritance. Affected: yes.

PreventionGenetics, part of Exact Sciences
Classification: Likely benign for ZSWIM6-related condition. Last evaluated: 2023-05-25. Review status: no assertion criteria provided. Collection method: clinical testing. Allele origin: germline. Not counted in ClinVar's aggregate classification.
Comment: This variant is classified as likely benign based on ACMG/AMP sequence variant interpretation guidelines (Richards et al. 2015 PMID: 25741868, with internal and published modifications).